The following is an entry in ClinVar:

ClinVar aggregate classification (germline): Conflicting classifications of pathogenicity. Review status: criteria provided, conflicting classifications (1 of 4 stars). 3 submissions from 3 submitters: Uncertain significance (2); Likely benign (1). Last evaluated 2025-01-09.

Conditions:
Hereditary cancer-predisposing syndrome. Also called: Tumor predisposition; Neoplastic Syndromes, Hereditary; Hereditary Cancer Syndrome; Hereditary neoplastic syndrome. Identifiers: Orphanet 140162, MedGen C0027672, MeSH D009386, MONDO:0015356.
Hereditary diffuse gastric adenocarcinoma (HDGC). Also called: DIFFUSE GASTRIC AND LOBULAR BREAST CANCER SYNDROME. Identifiers: Orphanet 26106, MedGen C1708349, MONDO:0007648, OMIM 137215.

Allele frequency attached by ClinVar (database versions not stated): TOPMed below 0.00001.

Submissions (3):

Ambry Genetics
Classification: Likely benign for Hereditary cancer-predisposing syndrome. Last evaluated: 2025-01-09. Review status: criteria provided, single submitter. Criteria: Ambry Variant Classification Scheme 2023. Collection method: clinical testing. Allele origin: germline.

Color Diagnostics, LLC DBA Color Health
Classification: Uncertain significance for Hereditary cancer-predisposing syndrome. Last evaluated: 2023-12-05. Review status: criteria provided, single submitter. Criteria: ACMG Guidelines, 2015. Collection method: clinical testing. Allele origin: germline.
Comment: This missense variant replaces isoleucine with leucine at codon 363 of the CDH1 protein. To our knowledge, functional studies have not been reported for this variant. This variant has not been reported in individuals affected with CDH1-related disorders in the literature. This variant has not been identified in the general population by the Genome Aggregation Database (gnomAD). The available evidence is insufficient to determine the role of this variant in disease conclusively. Therefore, this variant is classified as a Variant of Uncertain Significance.

Labcorp Genetics (formerly Invitae), Labcorp
Classification: Uncertain significance for Hereditary diffuse gastric adenocarcinoma. Last evaluated: 2023-06-04. Review status: criteria provided, single submitter. Criteria: Invitae Variant Classification Sherloc (09022015). Collection method: clinical testing. Allele origin: germline.
Comment: ClinVar contains an entry for this variant (Variation ID: 491487). In summary, the available evidence is currently insufficient to determine the role of this variant in disease. Therefore, it has been classified as a Variant of Uncertain Significance. An algorithm developed to predict the effect of missense changes on protein structure and function (PolyPhen-2) suggests that this variant is likely to be disruptive. This variant has not been reported in the literature in individuals affected with CDH1-related conditions. This variant is not present in population databases (gnomAD no frequency). This sequence change replaces isoleucine, which is neutral and non-polar, with leucine, which is neutral and non-polar, at codon 363 of the CDH1 protein (p.Ile363Leu).

NM_004360.5(CDH1):c.1087A>C (p.Ile363Leu)

Gene: CDH1 (cadherin 1; plus strand). Cytogenetic location: 16q22.1.
Variant type: single nucleotide variant.
Coding change: c.1087A>C on transcript NM_004360.5 (MANE Select); coding-DNA position 1087, A replaced by C.
Protein change: p.Ile363Leu; replaces isoleucine 363 with leucine.
Molecular consequence: missense variant. On other transcripts: 5 prime UTR variant (2).
Genome position (GRCh38, 1-based): chr16:68,812,213, A>C. VCF-style: chr16-68812213-A-C. GRCh37 (hg19) VCF-style: chr16-68846116-A-C.
Other names: c.1087A>C, p.Ile363Leu (NM_001317184.2); c.-529A>C (NM_001317185.2); c.-733A>C (NM_001317186.2); short protein forms I363L.
Identifiers: ClinVar variation 491487 (VCV000491487.21), dbSNP rs1555515740, ClinGen allele CA396460085.